The following is an entry in ClinVar:

ClinVar aggregate classification (germline): Uncertain significance (1 of 4 stars; one submission).

Conditions:
Kabuki syndrome 1 (KABUK1). Also called: KMT2D-Related Kabuki Syndrome. Identifiers: Orphanet 2322, MedGen CN030661, MONDO:0007843, OMIM 147920.

Allele frequency attached by ClinVar (database versions not stated): gnomAD exomes below 0.00001; ExAC 0.00001.
gnomAD v4.1: 5 of 1,612,762 alleles (0.00031%); highest among the groups gnomAD compares: Non-Finnish European, 0.00034%; no homozygotes.

Submission:

Center for Genomics, Ann and Robert H. Lurie Children's Hospital of Chicago
Classification: Uncertain significance for Kabuki syndrome 1. Last evaluated: 2021-04-29. Review status: criteria provided, single submitter. Criteria: ACMG Guidelines, 2015. Collection method: clinical testing. Allele origin: germline.
Comment: KMT2D NM_003482.3 exon 30 p.Arg2072His (c.6215G>A): This variant has not been reported in the literature and is not present in large control databases. Evolutionary conservation and computational predictive tools suggest that this variant may impact the protein. In summary, data on this variant is insufficient for disease classification. Therefore, the clinical significance of this variant is uncertain.

NM_003482.4(KMT2D):c.6215G>A (p.Arg2072His)

Gene: KMT2D (lysine methyltransferase 2D; minus strand). Cytogenetic location: 12q13.12.
Variant type: single nucleotide variant.
Coding change: c.6215G>A on transcript NM_003482.4 (MANE Select); coding-DNA position 6215, G replaced by A.
Protein change: p.Arg2072His; replaces arginine 2072 with histidine.
Molecular consequence: missense variant.
Genome position (GRCh38, 1-based): chr12:49,041,674, C>T on the plus strand (G>A on the coding strand, the complement: KMT2D is on the minus strand). VCF-style: chr12-49041674-C-T. GRCh37 (hg19) VCF-style: chr12-49435457-C-T.
Other names: short protein forms R2072H.
Identifiers: ClinVar variation 1675097 (VCV001675097.1), dbSNP rs748389081, ClinGen allele CA6547331.